The following is an entry in ClinVar:

ClinVar aggregate classification (germline): Uncertain significance (1 of 4 stars; one submission).

gnomAD v4.1: 15 of 1,595,002 alleles (0.00094%); highest among the groups gnomAD compares: Admixed American, 0.0085%; no homozygotes.

Submission:

Women's Health and Genetics/Laboratory Corporation of America, LabCorp
Classification: Uncertain significance. Last evaluated: 2026-06-12. Review status: criteria provided, single submitter. Criteria: LabCorp Variant Classification Summary - May 2015. Collection method: clinical testing. Allele origin: germline.
Comment: Variant summary: CUL7 c.4801T>C (p.Cys1601Arg) results in a non-conservative amino acid change in the encoded protein sequence. Algorithms developed to predict the effect of missense changes on protein structure and function are either unavailable or do not agree on the potential impact of this missense change. The variant allele was found at a frequency of 1.3e-05 in 236212 control chromosomes. The available data on variant occurrences in the general population are insufficient to allow any conclusion about variant significance. To our knowledge, no occurrence of c.4801T>C in individuals affected with CUL7-related conditions and no experimental evidence demonstrating its impact on protein function have been reported. No submitters have cited clinical-significance assessments for this variant to ClinVar. Based on the evidence outlined above, the variant was classified as uncertain significance.

NM_014780.5(CUL7):c.4801T>C (p.Cys1601Arg)

Gene: CUL7 (cullin 7; minus strand). Cytogenetic location: 6p21.1.
Variant type: single nucleotide variant.
Coding change: c.4801T>C on transcript NM_014780.5 (MANE Select); coding-DNA position 4801, T replaced by C.
Protein change: p.Cys1601Arg; replaces cysteine 1601 with arginine.
Molecular consequence: missense variant.
Genome position (GRCh38, 1-based): chr6:43,037,984, A>G on the plus strand (T>C on the coding strand, the complement: CUL7 is on the minus strand). VCF-style: chr6-43037984-A-G. GRCh37 (hg19) VCF-style: chr6-43005722-A-G.
Other names: c.4897T>C, p.Cys1633Arg (NM_001168370.2, NM_001374872.1); c.4813T>C, p.Cys1605Arg (NM_001374873.1); c.4798T>C, p.Cys1600Arg (NM_001374874.1); short protein forms C1600R, C1601R, C1605R, C1633R.
Identifiers: ClinVar variation 4887310 (VCV004887310.1).